The following is an entry in ClinVar:

NM_002691.4(POLD1):c.1031G>T (p.Trp344Leu)

Gene: POLD1 (DNA polymerase delta 1, catalytic subunit; plus strand). Cytogenetic location: 19q13.33.
Variant type: single nucleotide variant.
Coding change: c.1031G>T on transcript NM_002691.4 (MANE Select); coding-DNA position 1031, G replaced by T.
Protein change: p.Trp344Leu; replaces tryptophan 344 with leucine.
Molecular consequence: missense variant. On other transcripts: non-coding transcript variant (1).
Genome position (GRCh38, 1-based): chr19:50,403,113, G>T. VCF-style: chr19-50403113-G-T. GRCh37 (hg19) VCF-style: chr19-50906370-G-T.
Other names: c.1031G>T, p.Trp344Leu (NM_001256849.1, NM_001308632.1); short protein forms W344L.
Identifiers: ClinVar variation 1508453 (VCV001508453.12), dbSNP rs1555790406, ClinGen allele CA406978056.

ClinVar aggregate classification (germline): Conflicting classifications of pathogenicity. Review status: criteria provided, conflicting classifications (1 of 4 stars). 3 submissions from 3 submitters: Uncertain significance (2); Likely benign (1). Last evaluated 2025-01-10.

Conditions:
POLD1-related polyposis and colorectal cancer syndrome (CRCS10). Also called: Colorectal cancer 10; COLORECTAL CANCER, SUSCEPTIBILITY TO, ON CHROMOSOME 19q; Colorectal cancer, susceptibility to, 10. Identifiers: Orphanet 220460, MedGen C2675481, MONDO:0012953, OMIM 612591.
Hereditary cancer-predisposing syndrome. Also called: Neoplastic Syndromes, Hereditary; Tumor predisposition; Hereditary Cancer Syndrome; Hereditary neoplastic syndrome. Identifiers: Orphanet 140162, MedGen C0027672, MeSH D009386, MONDO:0015356.

Submissions (3):

Ambry Genetics
Classification: Likely benign for Hereditary cancer-predisposing syndrome. Last evaluated: 2025-01-10. Review status: criteria provided, single submitter. Criteria: Ambry Variant Classification Scheme 2023. Collection method: clinical testing. Allele origin: germline.

GeneDx
Classification: Uncertain significance. Last evaluated: 2022-01-19. Review status: criteria provided, single submitter. Criteria: GeneDx Variant Classification Process June 2021. Collection method: clinical testing. Allele origin: germline. Affected: yes.
Comment: Not observed at significant frequency in large population cohorts (gnomAD); In silico analysis supports that this missense variant does not alter protein structure/function; Has not been previously published as pathogenic or benign to our knowledge; This variant is associated with the following publications: (PMID: 20951805)

Labcorp Genetics (formerly Invitae), Labcorp
Classification: Uncertain significance for POLD1-related polyposis and colorectal cancer syndrome. Last evaluated: 2021-03-26. Review status: criteria provided, single submitter. Criteria: Invitae Variant Classification Sherloc (09022015). Collection method: clinical testing. Allele origin: germline.
Comment: This sequence change replaces tryptophan with leucine at codon 344 of the POLD1 protein (p.Trp344Leu). The tryptophan residue is weakly conserved and there is a small physicochemical difference between tryptophan and leucine. This variant is not present in population databases (ExAC no frequency). This variant has not been reported in the literature in individuals with POLD1-related conditions. Algorithms developed to predict the effect of missense changes on protein structure and function (SIFT, PolyPhen-2, Align-GVGD) all suggest that this variant is likely to be tolerated, but these predictions have not been confirmed by published functional studies and their clinical significance is uncertain. In summary, the available evidence is currently insufficient to determine the role of this variant in disease. Therefore, it has been classified as a Variant of Uncertain Significance.